The following is an entry in ClinVar:

ClinVar aggregate classification (germline): Uncertain significance. Review status: criteria provided, multiple submitters, no conflicts (2 of 4 stars). 2 submissions from 2 submitters: Uncertain significance (2). Last evaluated 2025-09-23.

Conditions:
Cardiovascular phenotype. Identifiers: MedGen CN230736.
Hypertrophic cardiomyopathy 26. Also called: Cardiomyopathy, familial hypertrophic, 26. Identifiers: Orphanet 75249, MedGen C4310749, MONDO:0014883, OMIM 617047.
Distal myopathy with posterior leg and anterior hand involvement. Also called: WILLIAMS DISTAL MYOPATHY. Identifiers: Orphanet 63273, MedGen C3279722, MONDO:0013550, OMIM 614065.
Myofibrillar myopathy 5. Also called: Filaminopathy (type); FILAMINOPATHY, AUTOSOMAL DOMINANT. Identifiers: Orphanet 171445, MedGen C1836050, MONDO:0012289, OMIM 609524.

Submissions (2):

Labcorp Genetics (formerly Invitae), Labcorp
Classification: Uncertain significance for Distal myopathy with posterior leg and anterior hand involvement; Myofibrillar myopathy 5; Hypertrophic cardiomyopathy 26. Last evaluated: 2025-09-23. Review status: criteria provided, single submitter. Criteria: Invitae Variant Classification Sherloc (09022015). Collection method: clinical testing. Allele origin: germline.
Comment: This sequence change replaces arginine, which is basic and polar, with serine, which is neutral and polar, at codon 2133 of the FLNC protein (p.Arg2133Ser). This variant is not present in population databases (gnomAD no frequency). This variant has not been reported in the literature in individuals affected with FLNC-related conditions. ClinVar contains an entry for this variant (Variation ID: 1753256). Invitae Evidence Modeling of protein sequence and biophysical properties (such as structural, functional, and spatial information, amino acid conservation, physicochemical variation, residue mobility, and thermodynamic stability) has been performed for this missense variant. However, the output from this modeling did not meet the statistical confidence thresholds required to predict the impact of this variant on FLNC protein function. This variant disrupts the p.Arg2133 amino acid residue in FLNC. Other variant(s) that disrupt this residue have been observed in individuals with FLNC-related conditions (PMID: 28356264, 30411535), which suggests that this may be a clinically significant amino acid residue. In summary, the available evidence is currently insufficient to determine the role of this variant in disease. Therefore, it has been classified as a Variant of Uncertain Significance.

Ambry Genetics
Classification: Uncertain significance for Cardiovascular phenotype. Last evaluated: 2019-11-21. Review status: criteria provided, single submitter. Criteria: Ambry Variant Classification Scheme 2023. Collection method: clinical testing. Allele origin: germline.
Comment: The p.R2133S variant (also known as c.6397C>A), located in coding exon 39 of the FLNC gene, results from a C to A substitution at nucleotide position 6397. The arginine at codon 2133 is replaced by serine, an amino acid with dissimilar properties. This amino acid position is highly conserved in available vertebrate species. In addition, this alteration is predicted to be deleterious by in silico analysis. Since supporting evidence is limited at this time, the clinical significance of this alteration remains unclear.

Literature cited by the submitters: PubMed 28356264 (cited by Labcorp Genetics (formerly Invitae), Labcorp); PubMed 30411535 (cited by Labcorp Genetics (formerly Invitae), Labcorp).

NM_001458.5(FLNC):c.6397C>A (p.Arg2133Ser)

Genes: FLNC-AS1 (FLNC antisense RNA 1; minus strand), FLNC (filamin C; plus strand). Cytogenetic location: 7q32.1.
Variant type: single nucleotide variant.
Coding change: c.6397C>A on transcript NM_001458.5 (MANE Select); coding-DNA position 6397, C replaced by A.
Protein change: p.Arg2133Ser; replaces arginine 2133 with serine.
Molecular consequence: missense variant.
Genome position (GRCh38, 1-based): chr7:128,853,750, C>A. VCF-style: chr7-128853750-C-A. GRCh37 (hg19) VCF-style: chr7-128493804-C-A.
Other names: c.6298C>A, p.Arg2100Ser (NM_001127487.2); short protein forms R2133S, R2100S.
Identifiers: ClinVar variation 1753256 (VCV001753256.3), dbSNP rs1186464414, ClinGen allele CA369212455.
Genomic context (GRCh38, chr7:128,853,750, plus strand): 5'-GACCCACCCTTTGTCCCCACTTCAGGAAGCCCCTTCACTGTGAAGGTGACCGGCGAGGGC[C>A]GCATGAAGGAGAGCATCACCCGGCGGAGACAGGCACCTTCCATCGCCACCATCGGCAGCA-3'
Protein context (NP_001449.3, residues 2123-2143): PFTVKVTGEG[Arg2133Ser]MKESITRRRQ